The following is an entry in ClinVar:

ClinVar aggregate classification (germline): Uncertain significance. Review status: criteria provided, multiple submitters, no conflicts (2 of 4 stars). 6 submissions from 6 submitters: Uncertain significance (5). 1 of the submissions does not count toward it. Last evaluated 2026-02-11.

Conditions:
Hereditary cancer-predisposing syndrome. Also called: Tumor predisposition; Hereditary neoplastic syndrome; Neoplastic Syndromes, Hereditary; Hereditary Cancer Syndrome. Identifiers: Orphanet 140162, MedGen C0027672, MeSH D009386, MONDO:0015356.
Bloom syndrome (BLM). Also called: Bloom-Torre-Machacek syndrome. Identifiers: Orphanet 125, MedGen C0005859, MONDO:0008876, OMIM 210900.

Allele frequency attached by ClinVar (database versions not stated): ExAC 0.00001; gnomAD exomes 0.00001; TOPMed 0.00001.

Submissions (6):

St. Jude Molecular Pathology, St. Jude Children's Research Hospital
Classification: Uncertain significance for Bloom syndrome. Last evaluated: 2026-02-11. Review status: criteria provided, single submitter. Criteria: St. Jude Assertion Criteria 2020. Collection method: clinical testing. Allele origin: germline.
Comment: The BLM c.2551C>G p.(Gln851Glu) missense change has a maximum subpopulation frequency of 0.0026% in gnomAD v2.1.1. The in silico tool REVEL predicts a benign effect on protein function, but to our knowledge this prediction has not been confirmed by functional studies. To our knowledge, this variant has not been reported in individuals with Bloom syndrome. In summary, the evidence currently available is insufficient to determine the clinical significance of this variant. It has therefore been classified as of uncertain significance.

Labcorp Genetics (formerly Invitae), Labcorp
Classification: Uncertain significance for Bloom syndrome. Last evaluated: 2025-07-16. Review status: criteria provided, single submitter. Criteria: Invitae Variant Classification Sherloc (09022015). Collection method: clinical testing. Allele origin: germline.
Comment: This sequence change replaces glutamine, which is neutral and polar, with glutamic acid, which is acidic and polar, at codon 851 of the BLM protein (p.Gln851Glu). This variant is present in population databases (rs767638712, gnomAD 0.003%). This variant has not been reported in the literature in individuals affected with BLM-related conditions. ClinVar contains an entry for this variant (Variation ID: 821463). Invitae Evidence Modeling of protein sequence and biophysical properties (such as structural, functional, and spatial information, amino acid conservation, physicochemical variation, residue mobility, and thermodynamic stability) indicates that this missense variant is not expected to disrupt BLM protein function with a negative predictive value of 80%. In summary, the available evidence is currently insufficient to determine the role of this variant in disease. Therefore, it has been classified as a Variant of Uncertain Significance.

GeneDx
Classification: Uncertain significance. Last evaluated: 2024-11-10. Review status: criteria provided, single submitter. Criteria: GeneDx Variant Classification Process June 2021. Collection method: clinical testing. Allele origin: germline.
Comment: Not observed at significant frequency in large population cohorts (gnomAD); In silico analysis indicates that this missense variant does not alter protein structure/function; Has not been previously published as pathogenic or benign to our knowledge

Ambry Genetics
Classification: Uncertain significance for Hereditary cancer-predisposing syndrome. Last evaluated: 2023-12-01. Review status: criteria provided, single submitter. Criteria: Ambry Variant Classification Scheme 2023. Collection method: clinical testing. Allele origin: germline.
Comment: The p.Q851E variant (also known as c.2551C>G), located in coding exon 11 of the BLM gene, results from a C to G substitution at nucleotide position 2551. The glutamine at codon 851 is replaced by glutamic acid, an amino acid with highly similar properties. This amino acid position is highly conserved in available vertebrate species. In addition, the in silico prediction for this alteration is inconclusive. Since supporting evidence is limited at this time, the clinical significance of this alteration remains unclear.

Women's Health and Genetics/Laboratory Corporation of America, LabCorp
Classification: Uncertain significance. Last evaluated: 2023-11-20. Review status: criteria provided, single submitter. Criteria: LabCorp Variant Classification Summary - May 2015. Collection method: clinical testing. Allele origin: germline.
Comment: Variant summary: BLM c.2551C>G (p.Gln851Glu) results in a conservative amino acid change in the encoded protein sequence. Three of five in-silico tools predict a benign effect of the variant on protein function. The variant allele was found at a frequency of 1.2e-05 in 250962 control chromosomes. The available data on variant occurrences in the general population are insufficient to allow any conclusion about variant significance. To our knowledge, no occurrence of c.2551C>G in individuals affected with Bloom Syndrome and no experimental evidence demonstrating its impact on protein function have been reported. Three submitters have cited clinical-significance assessments for this variant to ClinVar after 2014. All submitters classified the variant as uncertain significance. Based on the evidence outlined above, the variant was classified as uncertain significance.

Natera, Inc.
Classification: Uncertain significance for Bloom syndrome. Last evaluated: 2018-11-13. Review status: no assertion criteria provided. Collection method: clinical testing. Allele origin: germline. Not counted in ClinVar's aggregate classification.

NM_000057.4(BLM):c.2551C>G (p.Gln851Glu)

Gene: BLM (BLM RecQ like helicase; plus strand). Cytogenetic location: 15q26.1.
Variant type: single nucleotide variant.
Coding change: c.2551C>G on transcript NM_000057.4 (MANE Select); coding-DNA position 2551, C replaced by G.
Protein change: p.Gln851Glu; replaces glutamine 851 with glutamic acid.
Molecular consequence: missense variant.
Genome position (GRCh38, 1-based): chr15:90,769,582, C>G. VCF-style: chr15-90769582-C-G. GRCh37 (hg19) VCF-style: chr15-91312812-C-G.
Other names: c.2551C>G, p.Gln851Glu (NM_001287246.2, NM_001287247.2); c.1426C>G, p.Gln476Glu (NM_001287248.2); short protein forms Q476E, Q851E.
Identifiers: ClinVar variation 821463 (VCV000821463.20), dbSNP rs767638712, ClinGen allele CA7738803.